The following is an entry in ClinVar:

NM_003200.5(TCF3):c.754G>A (p.Gly252Ser)

Gene: TCF3 (transcription factor 3; minus strand). Cytogenetic location: 19p13.3.
Variant type: single nucleotide variant.
Coding change: c.754G>A on transcript NM_003200.5 (MANE Select); coding-DNA position 754, G replaced by A.
Protein change: p.Gly252Ser; replaces glycine 252 with serine.
Molecular consequence: missense variant.
Genome position (GRCh38, 1-based): chr19:1,622,122, C>T on the plus strand (G>A on the coding strand, the complement: TCF3 is on the minus strand). VCF-style: chr19-1622122-C-T. GRCh37 (hg19) VCF-style: chr19-1622121-C-T.
Other names: c.754G>A, p.Gly252Ser (NM_001136139.4, NM_001351778.2, NM_001351779.2); short protein forms G252S.
Identifiers: ClinVar variation 1388847 (VCV001388847.8), dbSNP rs371753641, ClinGen allele CA304103601.

ClinVar aggregate classification (germline): Uncertain significance (1 of 4 stars; one submission).

Allele frequency attached by ClinVar (database versions not stated): gnomAD exomes below 0.00001 and 0.00002; gnomAD 0.00001; TOPMed 0.00003; ESP Exome Variant Server 0.00008.
gnomAD v4.1: 21 of 1,599,196 alleles (0.0013%); highest among the groups gnomAD compares: East Asian, 0.011%; no homozygotes.

Submission:

Labcorp Genetics (formerly Invitae), Labcorp
Classification: Uncertain significance. Last evaluated: 2025-04-29. Review status: criteria provided, single submitter. Criteria: Invitae Variant Classification Sherloc (09022015). Collection method: clinical testing. Allele origin: germline.
Comment: This sequence change replaces glycine, which is neutral and non-polar, with serine, which is neutral and polar, at codon 252 of the TCF3 protein (p.Gly252Ser). The frequency data for this variant in the population databases is considered unreliable, as metrics indicate poor data quality at this position in the gnomAD database. This variant has not been reported in the literature in individuals affected with TCF3-related conditions. ClinVar contains an entry for this variant (Variation ID: 1388847). An algorithm developed to predict the effect of missense changes on protein structure and function outputs the following: PolyPhen-2: "Benign". The serine amino acid residue is found in multiple mammalian species, which suggests that this missense change does not adversely affect protein function. In summary, the available evidence is currently insufficient to determine the role of this variant in disease. Therefore, it has been classified as a Variant of Uncertain Significance.